The following is an entry in ClinVar:

NM_000179.3(MSH6):c.2212G>T (p.Val738Leu)

Gene: MSH6 (mutS homolog 6; plus strand). Cytogenetic location: 2p16.3.
Variant type: single nucleotide variant.
Coding change: c.2212G>T on transcript NM_000179.3 (MANE Select); coding-DNA position 2212, G replaced by T.
Protein change: p.Val738Leu; replaces valine 738 with leucine.
Molecular consequence: missense variant. On other transcripts: non-coding transcript variant (5), intron variant (2).
Genome position (GRCh38, 1-based): chr2:47,800,195, G>T. VCF-style: chr2-47800195-G-T. GRCh37 (hg19) VCF-style: chr2-48027334-G-T.
Other names: c.1822G>T, p.Val608Leu (NM_001281492.2); c.1306G>T, p.Val436Leu (NM_001281493.2, NM_001281494.2, NM_001406811.1 and 6 more transcripts); c.2308G>T, p.Val770Leu (NM_001406795.1, NM_001406802.1); c.2212G>T, p.Val738Leu (NM_001406796.1, NM_001406798.1, NM_001406800.1 and 3 more transcripts); c.1915G>T, p.Val639Leu (NM_001406797.1, NM_001406801.1, NM_001406805.1 and 10 more transcripts); c.1687G>T, p.Val563Leu (NM_001406799.1, NM_001406806.1, NM_001406807.1); c.2134G>T, p.Val712Leu (NM_001406804.1); c.2218G>T, p.Val740Leu (NM_001406813.1); and 3 more; short protein forms V436L, V563L, V608L, V639L, V682L, V712L, V738L, V740L.
Identifiers: ClinVar variation 3074063 (VCV003074063.1), dbSNP rs2104394393, ClinGen allele CA346752385.

ClinVar aggregate classification (germline): Uncertain significance (1 of 4 stars; one submission).

Conditions:
Lynch syndrome. Identifiers: Orphanet 144, MedGen C4552100, MONDO:0005835. Disease mechanism: loss of function.

Submission:

All of Us Research Program, National Institutes of Health
Classification: Uncertain significance for Lynch syndrome. Last evaluated: 2023-10-23. Review status: criteria provided, single submitter. Criteria: ACMG Guidelines, 2015. Collection method: clinical testing. Allele origin: germline. Inheritance: Autosomal dominant inheritance. Observed: 1 variant allele, 1 heterozygote.
Comment: This missense variant replaces valine with leucine at codon 738 of the MSH6 protein. Computational prediction is inconclusive regarding the impact of this variant on protein structure and function (internally defined REVEL score threshold 0.5 < inconclusive < 0.7, PMID: 27666373). To our knowledge, functional studies have not been reported for this variant. This variant has not been reported in individuals affected with MSH6-related disorders in the literature. This variant has not been identified in the general population by the Genome Aggregation Database (gnomAD). The available evidence is insufficient to determine the role of this variant in disease conclusively. Therefore, this variant is classified as a Variant of Uncertain Significance.

This study involves interpretation of variants in research participants for the purpose of population health screening. Participant phenotype was not available at the time of variant classification. Additional details can be found in publication PMID: 35346344, PMCID: PMC8962531